The following is an entry in ClinVar:

NM_001999.4(FBN2):c.7433T>C (p.Val2478Ala)

Gene: FBN2 (fibrillin 2; minus strand). Cytogenetic location: 5q23.3.
Variant type: single nucleotide variant.
Coding change: c.7433T>C on transcript NM_001999.4 (MANE Select); coding-DNA position 7433, T replaced by C.
Protein change: p.Val2478Ala; replaces valine 2478 with alanine.
Molecular consequence: missense variant.
Genome position (GRCh38, 1-based): chr5:128,277,918, A>G on the plus strand (T>C on the coding strand, the complement: FBN2 is on the minus strand). VCF-style: chr5-128277918-A-G. GRCh37 (hg19) VCF-style: chr5-127613610-A-G.
Other names: short protein forms V2478A.
Identifiers: ClinVar variation 2874444 (VCV002874444.3), dbSNP rs745974408, ClinGen allele CA3394126.
Genomic context (GRCh38, chr5:128,277,918, plus strand): 5'-ATATAGAGGTGCCCATCGTTACCTATACAAGAGGTTCCACTGATGTCTGTGGTGTAGCCA[A>G]CCTTGCAGAAGCATCGGAATGAGCCCATGGTATTGATGCACTGACCATTGGTGCAGAGGT-3'
Protein context (NP_001990.2, residues 2468-2488): TMGSFRCFCK[Val2478Ala]GYTTDISGTS

ClinVar aggregate classification (germline): Uncertain significance (1 of 4 stars; one submission).

Conditions:
Congenital contractural arachnodactyly (CCA). Also called: BEALS SYNDROME; Arthrogryposis, distal, type 9; Beals-Hecht syndrome. Identifiers: Orphanet 115, MedGen C0220668, MONDO:0007363, OMIM 121050.

Allele frequency attached by ClinVar (database versions not stated): ExAC 0.00001.

Submission:

Labcorp Genetics (formerly Invitae), Labcorp
Classification: Uncertain significance for Congenital contractural arachnodactyly. Last evaluated: 2024-02-23. Review status: criteria provided, single submitter. Criteria: Invitae Variant Classification Sherloc (09022015). Collection method: clinical testing. Allele origin: germline.
Comment: This sequence change replaces valine, which is neutral and non-polar, with alanine, which is neutral and non-polar, at codon 2478 of the FBN2 protein (p.Val2478Ala). This variant is present in population databases (rs745974408, gnomAD 0.0009%). This variant has not been reported in the literature in individuals affected with FBN2-related conditions. Advanced modeling of protein sequence and biophysical properties (such as structural, functional, and spatial information, amino acid conservation, physicochemical variation, residue mobility, and thermodynamic stability) performed at Invitae indicates that this missense variant is not expected to disrupt FBN2 protein function with a negative predictive value of 80%. In summary, the available evidence is currently insufficient to determine the role of this variant in disease. Therefore, it has been classified as a Variant of Uncertain Significance.